The following is an entry in ClinVar:

NM_014795.4(ZEB2):c.2486G>A (p.Ser829Asn)

Gene: ZEB2 (zinc finger E-box binding homeobox 2; minus strand). Cytogenetic location: 2q22.3.
Variant type: single nucleotide variant.
Coding change: c.2486G>A on transcript NM_014795.4 (MANE Select); coding-DNA position 2486, G replaced by A.
Protein change: p.Ser829Asn; replaces serine 829 with asparagine.
Molecular consequence: missense variant.
Genome position (GRCh38, 1-based): chr2:144,398,701, C>T on the plus strand (G>A on the coding strand, the complement: ZEB2 is on the minus strand). VCF-style: chr2-144398701-C-T. GRCh37 (hg19) VCF-style: chr2-145156268-C-T.
Other names: p.S829N:AGT>AAT; c.2414G>A, p.Ser805Asn (NM_001171653.2); short protein forms S829N, S805N.
Identifiers: ClinVar variation 181740 (VCV000181740.19), dbSNP rs730881198, ClinGen allele CA297609.

ClinVar aggregate classification (germline): Conflicting classifications of pathogenicity. Review status: criteria provided, conflicting classifications (1 of 4 stars). 4 submissions from 4 submitters: Uncertain significance (2); Benign (1); Likely benign (1). Last evaluated 2023-08-10.

Conditions:
Mowat-Wilson syndrome (MOWS). Also called: Classic Mowat-Wilson Syndrome. Identifiers: Orphanet 2152, MedGen C1856113, MONDO:0009341, OMIM 235730.

Allele frequency attached by ClinVar (database versions not stated): gnomAD exomes below 0.00001.
gnomAD v4.1: 1 of 1,614,014 alleles (0.000062%); highest among the groups gnomAD compares: African/African-American, 0.0013%; no homozygotes.

Submissions (4):

Labcorp Genetics (formerly Invitae), Labcorp
Classification: Benign for Mowat-Wilson syndrome. Last evaluated: 2023-08-10. Review status: criteria provided, single submitter. Criteria: Invitae Variant Classification Sherloc (09022015). Collection method: clinical testing. Allele origin: germline.

Genome-Nilou Lab
Classification: Likely benign for Mowat-Wilson syndrome. Last evaluated: 2021-11-07. Review status: criteria provided, single submitter. Criteria: ACMG Guidelines, 2015. Collection method: clinical testing. Allele origin: germline. Affected: no.

Mayo Clinic Laboratories, Mayo Clinic
Classification: Uncertain significance. Last evaluated: 2019-10-20. Review status: criteria provided, single submitter. Criteria: ACMG Guidelines, 2015. Collection method: clinical testing. Allele origin: germline. Observed: 1 variant allele.

GeneDx
Classification: Uncertain significance. Last evaluated: 2019-04-03. Review status: criteria provided, single submitter. Criteria: GeneDx Variant Classification Process June 2021. Collection method: clinical testing. Allele origin: germline. Affected: yes.
Comment: Not observed in large population cohorts (Lek et al., 2016); In silico analysis, which includes protein predictors and evolutionary conservation, supports that this variant does not alter protein structure/function; Has not been previously published as pathogenic or benign to our knowledge